The following is an entry in ClinVar:

NM_004519.4(KCNQ3):c.86C>T (p.Ala29Val)

Gene: KCNQ3 (potassium voltage-gated channel subfamily Q member 3; minus strand). Cytogenetic location: 8q24.22.
Variant type: single nucleotide variant.
Coding change: c.86C>T on transcript NM_004519.4 (MANE Select); coding-DNA position 86, C replaced by T.
Protein change: p.Ala29Val; replaces alanine 29 with valine.
Molecular consequence: missense variant.
Genome position (GRCh38, 1-based): chr8:132,480,447, G>A on the plus strand (C>T on the coding strand, the complement: KCNQ3 is on the minus strand). VCF-style: chr8-132480447-G-A. GRCh37 (hg19) VCF-style: chr8-133492694-G-A.
Other names: short protein forms A29V.
Identifiers: ClinVar variation 1352386 (VCV001352386.6), dbSNP rs1227699672, ClinGen allele CA372292920.
Genomic context (GRCh38, chr8:132,480,447, plus strand): 5'-TCGCCGGGCGCCAGCCCCACTTTCCGCTCCTCGTCGCCGGCCGCCGCCGCGTCCCCTCCG[G>A]CTGGGTTAGCCGCCCCGCCGCCTCCGCCGCCCCCGTCGCCGCCGCCGCCAGCCGCCCCCG-3'
Protein context (NP_004510.1, residues 19-39): GGGGGGAANP[Ala29Val]GGDAAAAGDE

ClinVar aggregate classification (germline): Uncertain significance (1 of 4 stars; one submission).

Conditions:
Benign neonatal seizures. Also called: Benign familial neonatal seizures; Benign neonatal familial convulsions; Convulsions benign familial neonatal dominant form; Autosomal dominant form of benign neonatal seizures; Benign familial neonatal epilepsy. Identifiers: Orphanet 1949, MedGen C0220669, MONDO:0016027.

Allele frequency attached by ClinVar (database versions not stated): gnomAD exomes below 0.00001.
gnomAD v4.1: 2 of 1,384,776 alleles (0.00014%); highest among the groups gnomAD compares: Non-Finnish European, 0.00019%; no homozygotes.

Submission:

Labcorp Genetics (formerly Invitae), Labcorp
Classification: Uncertain significance for Benign neonatal seizures. Last evaluated: 2025-02-15. Review status: criteria provided, single submitter. Criteria: Invitae Variant Classification Sherloc (09022015). Collection method: clinical testing. Allele origin: germline.
Comment: This sequence change replaces alanine, which is neutral and non-polar, with valine, which is neutral and non-polar, at codon 29 of the KCNQ3 protein (p.Ala29Val). The frequency data for this variant in the population databases is considered unreliable, as metrics indicate poor data quality at this position in the gnomAD database. This variant has not been reported in the literature in individuals affected with KCNQ3-related conditions. ClinVar contains an entry for this variant (Variation ID: 1352386). Invitae Evidence Modeling of protein sequence and biophysical properties (such as structural, functional, and spatial information, amino acid conservation, physicochemical variation, residue mobility, and thermodynamic stability) indicates that this missense variant is not expected to disrupt KCNQ3 protein function with a negative predictive value of 95%. In summary, the available evidence is currently insufficient to determine the role of this variant in disease. Therefore, it has been classified as a Variant of Uncertain Significance.